The following is an entry in ClinVar:

ClinVar aggregate classification (germline): Benign/Likely benign. Review status: criteria provided, multiple submitters, no conflicts (2 of 4 stars). 20 submissions from 13 submitters: Benign (14); Likely benign (4). 2 of the submissions do not count toward it. Last evaluated 2026-02-03.

Conditions:
Dilated cardiomyopathy 1G (CMD1G). Identifiers: Orphanet 154, MedGen C1858763, MONDO:0011400, OMIM 604145.
Autosomal recessive limb-girdle muscular dystrophy type 2J (LGMDR10). Also called: MUSCULAR DYSTROPHY, LIMB-GIRDLE, AUTOSOMAL RECESSIVE 10; Limb-girdle muscular dystrophy, type 2J. Identifiers: Orphanet 140922, MedGen C1837342, MONDO:0012127, OMIM 608807.
Early-onset myopathy with fatal cardiomyopathy (CMYO5). Also called: CONGENITAL MYOPATHY 5 WITH CARDIOMYOPATHY; Salih Myopathy. Identifiers: Orphanet 289377, MedGen C2673677, MONDO:0012714, OMIM 611705. Disease mechanism: loss of function.
Myopathy, myofibrillar, 9, with early respiratory failure (MFM9). Also called: Myopathy, distal, with early respiratory failure, autosomal dominant; Hereditary myopathy with early respiratory failure; MYOPATHY, PROXIMAL, WITH EARLY RESPIRATORY MUSCLE INVOLVEMENT; EDSTROM MYOPATHY. Identifiers: Orphanet 178464, Orphanet 34521, MedGen C1863599, MONDO:0011362, OMIM 603689.
Tibial muscular dystrophy (TMD). Also called: Udd Distal Myopathy – Tibial Muscular Dystrophy; Tibial muscular dystrophy, tardive; UDD MYOPATHY. Identifiers: Orphanet 609, MedGen C1838244, MONDO:0010870, OMIM 600334.

Allele frequency attached by ClinVar (database versions not stated): gnomAD exomes 0.00058 and 0.00159; gnomAD 0.00655 and 0.00702; TOPMed 0.00726; ESP Exome Variant Server 0.00804; ExAC 0.00195; 1000 Genomes Project 30x 0.00656; 1000 Genomes Project 0.00599.
gnomAD v4.1: 1,856 of 1,613,770 alleles (0.12%); highest among the groups gnomAD compares: African/African-American, 2.3%; 26 homozygotes.

Submissions (20):

Labcorp Genetics (formerly Invitae), Labcorp
Classification: Benign for Dilated cardiomyopathy 1G; Autosomal recessive limb-girdle muscular dystrophy type 2J. Last evaluated: 2026-02-03. Review status: criteria provided, single submitter. Criteria: Invitae Variant Classification Sherloc (09022015). Collection method: clinical testing. Allele origin: germline.

Molecular Diagnostic Laboratory for Inherited Cardiovascular Disease, Montreal Heart Institute
Classification: Benign. Last evaluated: 2025-04-09. Review status: criteria provided, single submitter. Criteria: ACMG Guidelines, 2015. Collection method: clinical testing. Allele origin: germline. Affected: no.

ARUP Laboratories, Molecular Genetics and Genomics, ARUP Laboratories
Classification: Benign. Last evaluated: 2025-03-21. Review status: criteria provided, single submitter. Criteria: ARUP Molecular Germline Variant Investigation Process 2024. Collection method: clinical testing. Allele origin: germline.

Blueprint Genetics
Classification: Likely benign. Last evaluated: 2024-11-13. Review status: criteria provided, single submitter. Criteria: ACMG Guidelines, 2015. Collection method: clinical testing. Allele origin: germline.

Genome-Nilou Lab
Classification: Benign for Tibial muscular dystrophy. Last evaluated: 2021-09-10. Review status: criteria provided, single submitter. Criteria: ACMG Guidelines, 2015. Collection method: clinical testing. Allele origin: germline. Affected: no.

Genome-Nilou Lab
Classification: Benign for Autosomal recessive limb-girdle muscular dystrophy type 2J. Last evaluated: 2021-09-10. Review status: criteria provided, single submitter. Criteria: ACMG Guidelines, 2015. Collection method: clinical testing. Allele origin: germline. Affected: no.

Genome-Nilou Lab
Classification: Benign for Myopathy, myofibrillar, 9, with early respiratory failure. Last evaluated: 2021-09-10. Review status: criteria provided, single submitter. Criteria: ACMG Guidelines, 2015. Collection method: clinical testing. Allele origin: germline. Affected: no.

Genome-Nilou Lab
Classification: Benign for Early-onset myopathy with fatal cardiomyopathy. Last evaluated: 2021-09-10. Review status: criteria provided, single submitter. Criteria: ACMG Guidelines, 2015. Collection method: clinical testing. Allele origin: germline. Affected: no.

Women's Health and Genetics/Laboratory Corporation of America, LabCorp
Classification: Benign. Last evaluated: 2020-08-08. Review status: criteria provided, single submitter. Criteria: LabCorp Variant Classification Summary - May 2015. Collection method: clinical testing. Allele origin: germline.

Athena Diagnostics
Classification: Benign. Last evaluated: 2019-11-12. Review status: criteria provided, single submitter. Criteria: Athena Diagnostics Criteria. Collection method: clinical testing. Allele origin: unknown.

Mayo Clinic Laboratories, Mayo Clinic
Classification: Benign. Last evaluated: 2018-04-04. Review status: criteria provided, single submitter. Criteria: ACMG Guidelines, 2015. Collection method: clinical testing. Allele origin: germline. Observed: 12 variant alleles.

Illumina Laboratory Services, Illumina
Classification: Benign for Tibial muscular dystrophy. Last evaluated: 2018-01-12. Review status: criteria provided, single submitter. Criteria: ICSL Variant Classification Criteria 13 December 2019. Collection method: clinical testing. Allele origin: germline.
Comment: This variant was observed in the ICSL laboratory as part of a predisposition screen in an ostensibly healthy population. It had not been previously curated by ICSL or reported in the Human Gene Mutation Database (HGMD: prior to June 1st, 2018), and was therefore a candidate for classification through an automated scoring system. Utilizing variant allele frequency, disease prevalence and penetrance estimates, and inheritance mode, an automated score was calculated to assess if this variant is too frequent to cause the disease. Based on the score and internal cut-off values, a variant classified as benign is not then subjected to further curation. The score for this variant resulted in a classification of benign for this disease.

Illumina Laboratory Services, Illumina
Classification: Benign for Myopathy, myofibrillar, 9, with early respiratory failure. Last evaluated: 2018-01-12. Review status: criteria provided, single submitter. Criteria: ICSL Variant Classification Criteria 13 December 2019. Collection method: clinical testing. Allele origin: germline.
Comment: the same text as in the submission from Illumina Laboratory Services, Illumina above.

Illumina Laboratory Services, Illumina
Classification: Likely benign for Dilated cardiomyopathy 1G. Last evaluated: 2018-01-12. Review status: criteria provided, single submitter. Criteria: ICSL Variant Classification Criteria 13 December 2019. Collection method: clinical testing. Allele origin: germline.
Comment: This variant was observed in the ICSL laboratory as part of a predisposition screen in an ostensibly healthy population. It had not been previously curated by ICSL or reported in the Human Gene Mutation Database (HGMD: prior to June 1st, 2018), and was therefore a candidate for classification through an automated scoring system. Utilizing variant allele frequency, disease prevalence and penetrance estimates, and inheritance mode, an automated score was calculated to assess if this variant is too frequent to cause the disease. Based on the score and internal cut-off values, a variant classified as likely benign is not then subjected to further curation. The score for this variant resulted in a classification of likely benign for this disease.

Illumina Laboratory Services, Illumina
Classification: Likely benign for Autosomal recessive limb-girdle muscular dystrophy type 2J. Last evaluated: 2018-01-12. Review status: criteria provided, single submitter. Criteria: ICSL Variant Classification Criteria 13 December 2019. Collection method: clinical testing. Allele origin: germline.
Comment: the same text as in the submission from Illumina Laboratory Services, Illumina above.

Illumina Laboratory Services, Illumina
Classification: Likely benign for Early-onset myopathy with fatal cardiomyopathy. Last evaluated: 2018-01-12. Review status: criteria provided, single submitter. Criteria: ICSL Variant Classification Criteria 13 December 2019. Collection method: clinical testing. Allele origin: germline.
Comment: the same text as in the submission from Illumina Laboratory Services, Illumina above.

GeneDx
Classification: Benign. Last evaluated: 2012-11-28. Review status: criteria provided, single submitter. Criteria: GeneDx Variant Classification (06012015). Collection method: clinical testing. Allele origin: germline. Affected: yes.
Comment: This variant is considered likely benign or benign based on one or more of the following criteria: it is a conservative change, it occurs at a poorly conserved position in the protein, it is predicted to be benign by multiple in silico algorithms, and/or has population frequency not consistent with disease.

Laboratory for Molecular Medicine, Mass General Brigham Personalized Medicine
Classification: Benign. Last evaluated: 2012-01-09. Review status: criteria provided, single submitter. Criteria: LMM Criteria. Collection method: clinical testing. Allele origin: germline. Observed: 13 variant alleles.

Clinical Genetics DNA and cytogenetics Diagnostics Lab, Erasmus MC, Erasmus Medical Center
Classification: Benign. Review status: no assertion criteria provided. Collection method: clinical testing. Allele origin: germline. Affected: yes. Study: VKGL Data-share Consensus. Not counted in ClinVar's aggregate classification.

Clinical Genetics, Academic Medical Center
Classification: Benign. Review status: no assertion criteria provided. Collection method: clinical testing. Allele origin: germline. Affected: yes. Study: VKGL Data-share Consensus. Not counted in ClinVar's aggregate classification.

NM_001267550.2(TTN):c.24579A>G (p.Thr8193=)

Gene: TTN (titin; minus strand). Cytogenetic location: 2q31.2.
Variant type: single nucleotide variant.
Coding change: c.24579A>G on transcript NM_001267550.2 (MANE Select); coding-DNA position 24579, A replaced by G.
Protein change: p.Thr8193=; no amino-acid change (threonine 8193 retained).
Molecular consequence: synonymous variant. On other transcripts: intron variant (3).
Genome position (GRCh38, 1-based): chr2:178,718,527, T>C on the plus strand (A>G on the coding strand, the complement: TTN is on the minus strand). VCF-style: chr2-178718527-T-C. GRCh37 (hg19) VCF-style: chr2-179583254-T-C.
Other names: p.T7876T:ACA>ACG; p.Thr6949=; c.23628A>G, p.Thr7876= (NM_001256850.1); c.20847A>G, p.Thr6949= (NM_133378.4); c.13282+19555A>G (NM_003319.4); c.13858+19555A>G (NM_133437.4); c.13657+19555A>G (NM_133432.3).
Identifiers: ClinVar variation 46736 (VCV000046736.33), dbSNP rs72648979, ClinGen allele CA282897.